The following is an entry in ClinVar:

NM_012210.4(TRIM32):c.986C>T (p.Pro329Leu)

Genes: ASTN2 (astrotactin 2; minus strand), TRIM32 (tripartite motif containing 32; plus strand). Cytogenetic location: 9q33.1.
Variant type: single nucleotide variant.
Coding change: c.986C>T on transcript NM_012210.4 (MANE Select); coding-DNA position 986, C replaced by T.
Protein change: p.Pro329Leu; replaces proline 329 with leucine.
Molecular consequence: missense variant. On other transcripts: intron variant (3).
Genome position (GRCh38, 1-based): chr9:116,698,728, C>T. VCF-style: chr9-116698728-C-T. GRCh37 (hg19) VCF-style: chr9-119461007-C-T.
Other names: c.986C>T, p.Pro329Leu (NM_001099679.2, NM_001379048.1, NM_001379049.1 and 1 more transcripts); c.2653+27043G>A (NM_014010.5); c.2794+27043G>A (NM_001365069.1); c.2806+27043G>A (NM_001365068.1); short protein forms P329L.
Identifiers: ClinVar variation 284059 (VCV000284059.19), dbSNP rs377510422, ClinGen allele CA5211083.

ClinVar aggregate classification (germline): Uncertain significance. Review status: criteria provided, multiple submitters, no conflicts (2 of 4 stars). 7 submissions from 7 submitters: Uncertain significance (7). Last evaluated 2026-07-01.

Conditions:
Bardet-Biedl syndrome 11 (BBS11). Identifiers: Orphanet 110, MedGen C1859569, MONDO:0014439, OMIM 615988.
Sarcotubular myopathy (LGMDR8). Also called: Limb-girdle muscular dystrophy, type 2H; MUSCULAR DYSTROPHY, LIMB-GIRDLE, AUTOSOMAL RECESSIVE 8; Hutterite type of muscular dystrophy; Autosomal recessive limb-girdle muscular dystrophy type 2H. Identifiers: Orphanet 1878, MedGen C0270968, MONDO:0009683, OMIM 254110.
TRIM32-related disorder. Also called: TRIM32-related condition.
Bardet-Biedl syndrome (BBS). Identifiers: Orphanet 110, MedGen C0752166, MONDO:0015229.

Allele frequency attached by ClinVar (database versions not stated): gnomAD 0.00003 and 0.00004; ExAC 0.00005; gnomAD exomes 0.00005; TOPMed 0.00005; ESP Exome Variant Server 0.00008.
gnomAD v4.1: 49 of 1,613,994 alleles (0.003%); highest among the groups gnomAD compares: Admixed American, 0.012%; no homozygotes.

Submissions (7):

CeGaT Center for Human Genetics Tuebingen
Classification: Uncertain significance. Last evaluated: 2026-07-01. Review status: criteria provided, single submitter. Criteria: CeGaT Center For Human Genetics Tuebingen Variant Classification Criteria Version 2. Collection method: clinical testing. Allele origin: germline. Affected: yes. Observed: 1 variant allele.
Comment: TRIM32: PM2

PreventionGenetics, part of Exact Sciences
Classification: Uncertain significance for TRIM32-related condition. Last evaluated: 2026-02-22. Review status: criteria provided, single submitter. Criteria: ACMG Guidelines, 2015. Collection method: clinical testing. Allele origin: germline.
Comment: The TRIM32 c.986C>T variant is predicted to result in the amino acid substitution p.Pro329Leu. To our knowledge, this variant has not been reported in the literature. This variant is reported in 0.014% of alleles in individuals of Latino descent in gnomAD. At this time, the clinical significance of this variant is uncertain due to the absence of conclusive functional and genetic evidence.

Fulgent Genetics
Classification: Uncertain significance for Sarcotubular myopathy; Bardet-Biedl syndrome 11. Last evaluated: 2024-03-07. Review status: criteria provided, single submitter. Criteria: ACMG Guidelines, 2015. Collection method: clinical testing. Allele origin: germline.

Revvity Omics, Revvity
Classification: Uncertain significance. Last evaluated: 2023-06-14. Review status: criteria provided, single submitter. Criteria: ACMG Guidelines, 2015. Collection method: clinical testing. Allele origin: germline.

Blueprint Genetics
Classification: Uncertain significance. Last evaluated: 2023-01-04. Review status: criteria provided, single submitter. Criteria: ACMG Guidelines, 2015. Collection method: clinical testing. Allele origin: germline.

Labcorp Genetics (formerly Invitae), Labcorp
Classification: Uncertain significance for Bardet-Biedl syndrome. Last evaluated: 2022-09-06. Review status: criteria provided, single submitter. Criteria: Invitae Variant Classification Sherloc (09022015). Collection method: clinical testing. Allele origin: germline.
Comment: This sequence change replaces proline, which is neutral and non-polar, with leucine, which is neutral and non-polar, at codon 329 of the TRIM32 protein (p.Pro329Leu). This variant is present in population databases (rs377510422, gnomAD 0.01%). This variant has not been reported in the literature in individuals affected with TRIM32-related conditions. ClinVar contains an entry for this variant (Variation ID: 284059). Algorithms developed to predict the effect of missense changes on protein structure and function are either unavailable or do not agree on the potential impact of this missense change (SIFT: "Deleterious"; PolyPhen-2: "Benign"; Align-GVGD: "Class C15"). In summary, the available evidence is currently insufficient to determine the role of this variant in disease. Therefore, it has been classified as a Variant of Uncertain Significance.

Eurofins Ntd Llc (ga)
Classification: Uncertain significance. Last evaluated: 2017-12-11. Review status: criteria provided, single submitter. Criteria: EGL Classification Definitions 2015. Collection method: clinical testing. Allele origin: germline. Observed: 2 variant alleles, 2 heterozygotes.